The following is an entry in ClinVar:

NM_005896.4(IDH1):c.46G>C (p.Asp16His)

Gene: IDH1 (isocitrate dehydrogenase (NADP(+)) 1; minus strand). Cytogenetic location: 2q34.
Variant type: single nucleotide variant.
Coding change: c.46G>C on transcript NM_005896.4 (MANE Select); coding-DNA position 46, G replaced by C.
Protein change: p.Asp16His; replaces aspartic acid 16 with histidine.
Molecular consequence: missense variant.
Genome position (GRCh38, 1-based): chr2:208,251,506, C>G on the plus strand (G>C on the coding strand, the complement: IDH1 is on the minus strand). VCF-style: chr2-208251506-C-G. GRCh37 (hg19) VCF-style: chr2-209116230-C-G.
Other names: c.46G>C, p.Asp16His (NM_001282386.1, NM_001282387.1); short protein forms D16H.
Identifiers: ClinVar variation 1742547 (VCV001742547.3), dbSNP rs192514135, ClinGen allele CA2079111.

ClinVar aggregate classification (germline): Uncertain significance (1 of 4 stars; one submission).

Allele frequency attached by ClinVar (database versions not stated): gnomAD 0.00001; gnomAD exomes 0.00003; TOPMed 0.00004; ExAC 0.00007; 1000 Genomes Project 30x 0.00016; 1000 Genomes Project 0.00020.
gnomAD v4.1: 20 of 1,613,588 alleles (0.0012%); highest among the groups gnomAD compares: Admixed American, 0.03%; no homozygotes.

Submission:

Ambry Genetics
Classification: Uncertain significance. Last evaluated: 2023-08-29. Review status: criteria provided, single submitter. Criteria: Ambry Variant Classification Scheme 2023. Collection method: clinical testing. Allele origin: germline.
Comment: The p.D16H variant (also known as c.46G>C), located in coding exon 1 of the IDH1 gene, results from a G to C substitution at nucleotide position 46. The aspartic acid at codon 16 is replaced by histidine, an amino acid with similar properties. This amino acid position is conserved. In addition, this alteration is predicted to be deleterious by in silico analysis. Since supporting evidence is limited at this time, the clinical significance of this alteration remains unclear.